The following is an entry in ClinVar:

ClinVar aggregate classification (germline): Uncertain significance (1 of 4 stars; one submission).

Conditions:
Gnathodiaphyseal dysplasia (GDD). Also called: GNATHODIAPHYSEAL SCLEROSIS; OSTEOGENESIS IMPERFECTA WITH UNUSUAL SKELETAL LESIONS. Identifiers: Orphanet 53697, MedGen C1833736, MONDO:0008151, OMIM 166260.
Autosomal recessive limb-girdle muscular dystrophy type 2L (LGMDR12). Also called: Limb-girdle muscular dystrophy, type 2L; MUSCULAR DYSTROPHY, LIMB-GIRDLE, AUTOSOMAL RECESSIVE 12; Limb-Girdle Muscular Dystrophy R12 Anoctamin-5-Related (LGMD-R12). Identifiers: Orphanet 206549, MedGen C1969785, MONDO:0012652, OMIM 611307.

Submission:

Labcorp Genetics (formerly Invitae), Labcorp
Classification: Uncertain significance for Autosomal recessive limb-girdle muscular dystrophy type 2L; Gnathodiaphyseal dysplasia. Last evaluated: 2022-02-08. Review status: criteria provided, single submitter. Criteria: Invitae Variant Classification Sherloc (09022015). Collection method: clinical testing. Allele origin: germline.
Comment: Advanced modeling of protein sequence and biophysical properties (such as structural, functional, and spatial information, amino acid conservation, physicochemical variation, residue mobility, and thermodynamic stability) performed at Invitae indicates that this missense variant is not expected to disrupt ANO5 protein function. In summary, the available evidence is currently insufficient to determine the role of this variant in disease. Therefore, it has been classified as a Variant of Uncertain Significance. Algorithms developed to predict the effect of sequence changes on RNA splicing suggest that this variant may create or strengthen a splice site. This variant has not been reported in the literature in individuals affected with ANO5-related conditions. This variant is not present in population databases (gnomAD no frequency). This sequence change replaces serine, which is neutral and polar, with glycine, which is neutral and non-polar, at codon 497 of the ANO5 protein (p.Ser497Gly).

NM_213599.3(ANO5):c.1489A>G (p.Ser497Gly)

Gene: ANO5 (anoctamin 5; plus strand). Cytogenetic location: 11p14.3.
Variant type: single nucleotide variant.
Coding change: c.1489A>G on transcript NM_213599.3 (MANE Select); coding-DNA position 1489, A replaced by G.
Protein change: p.Ser497Gly; replaces serine 497 with glycine.
Molecular consequence: missense variant.
Genome position (GRCh38, 1-based): chr11:22,259,600, A>G. VCF-style: chr11-22259600-A-G. GRCh37 (hg19) VCF-style: chr11-22281146-A-G.
Other names: c.1486A>G, p.Ser496Gly (NM_001142649.2); c.1447A>G, p.Ser483Gly (NM_001410963.1); c.1444A>G, p.Ser482Gly (NM_001410964.1); short protein forms S482G, S483G, S496G, S497G.
Identifiers: ClinVar variation 2090643 (VCV002090643.4), dbSNP rs2494306301, ClinGen allele CA379922141.